The following is an entry in ClinVar:

ClinVar aggregate classification (germline): Conflicting classifications of pathogenicity. Review status: criteria provided, conflicting classifications (1 of 4 stars). 11 submissions from 11 submitters: Uncertain significance (7); Likely benign (1). 3 of the submissions do not count toward it. Last evaluated 2026-08-19.

Conditions:
Hereditary cancer-predisposing syndrome. Also called: Neoplastic Syndromes, Hereditary; Hereditary neoplastic syndrome; Hereditary Cancer Syndrome; Tumor predisposition. Identifiers: Orphanet 140162, MedGen C0027672, MeSH D009386, MONDO:0015356.
Breast-ovarian cancer, familial, susceptibility to, 1 (BROVCA1). Also called: BRCA1 Hereditary Breast and Ovarian Cancer; OVARIAN CANCER, SUSCEPTIBILITY TO. Identifiers: Orphanet 145, MedGen C2676676, MONDO:0011450, OMIM 604370. Disease mechanism: loss of function.
Hereditary breast ovarian cancer syndrome. Also called: BRCA1- and BRCA2-Associated Hereditary Breast and Ovarian Cancer; Hereditary breast and ovarian cancer syndrome (HBOC); Hereditary breast and ovarian cancer syndrome; Hereditary breast and/or ovarian cancer syndrome; Breast and ovarian cancer; Hereditary breast and ovarian cancer. Identifiers: Orphanet 145, MedGen C0677776, MeSH D061325, MONDO:0003582. Disease mechanism: loss of function.

Allele frequency attached by ClinVar (database versions not stated): ExAC 0.00001; gnomAD 0.00001; gnomAD exomes below 0.00001; TOPMed 0.00001.
gnomAD v4.1: 5 of 1,534,872 alleles (0.00033%); highest among the groups gnomAD compares: Non-Finnish European, 0.00045%; no homozygotes.

Submissions (11):

Ambry Genetics
Classification: Likely benign for Hereditary cancer-predisposing syndrome. Last evaluated: 2026-08-19. Review status: criteria provided, single submitter. Criteria: Ambry Variant Classification Scheme 2023. Collection method: clinical testing. Allele origin: germline.

Labcorp Genetics (formerly Invitae), Labcorp
Classification: Uncertain significance for Hereditary breast ovarian cancer syndrome. Last evaluated: 2024-09-28. Review status: criteria provided, single submitter. Criteria: Invitae Variant Classification Sherloc (09022015). Collection method: clinical testing. Allele origin: germline.
Comment: This sequence change falls in intron 3 of the BRCA1 gene. It does not directly change the encoded amino acid sequence of the BRCA1 protein. This variant is present in population databases (rs80358085, gnomAD 0.0009%). This variant has been observed in individual(s) with a personal and/or family history of breast, sarcoma, and prostate cancer (PMID: 23239986, 31343793). This variant is also known as IVS4-18T>G. ClinVar contains an entry for this variant (Variation ID: 54214). Studies have shown that this variant is associated with inconclusive levels of altered splicing (PMID: 23239986, 31343793; internal data). In summary, the available evidence is currently insufficient to determine the role of this variant in disease. Therefore, it has been classified as a Variant of Uncertain Significance.

Baylor Genetics
Classification: Uncertain significance for Breast-ovarian cancer, familial, susceptibility to, 1. Last evaluated: 2024-01-17. Review status: criteria provided, single submitter. Criteria: ACMG Guidelines, 2015. Collection method: clinical testing. Allele origin: unknown.

Blueprint Genetics
Classification: Uncertain significance. Last evaluated: 2023-07-31. Review status: criteria provided, single submitter. Criteria: ACMG Guidelines, 2015. Collection method: clinical testing. Allele origin: germline.

GeneDx
Classification: Uncertain significance. Last evaluated: 2023-07-17. Review status: criteria provided, single submitter. Criteria: GeneDx Variant Classification Process June 2021. Collection method: clinical testing. Allele origin: germline. Affected: yes.
Comment: Not observed at significant frequency in large population cohorts (gnomAD); In silico analysis is inconclusive as to whether the variant alters gene splicing; Also known as 254-18T>G; This variant is associated with the following publications: (PMID: 26913838, 23239986, 21523855, 30472649, 32623769, 31131967, 31343793)

Women's Health and Genetics/Laboratory Corporation of America, LabCorp
Classification: Uncertain significance. Last evaluated: 2023-07-10. Review status: criteria provided, single submitter. Criteria: LabCorp Variant Classification Summary - May 2015. Collection method: clinical testing. Allele origin: germline.
Comment: Variant summary: BRCA1 c.135-18T>G alters a non-conserved nucleotide located close to a canonical splice site and therefore could affect mRNA splicing, leading to a significantly altered protein sequence. Experimental evidence demonstrated the variant to marginally impair proper processing of BRCA1 pre-mRNA as it causes an approximately three-fold increased abundance of BRCA1 transcripts lacking exon 4 compared to controls (Wappenschmidt_2012, Montalban_2019). The variant allele was found at a frequency of 4.1e-06 in 242402 control chromosomes (gnomAD). The available data on variant occurrences in the general population are insufficient to allow any conclusion about variant significance. c.135-18T>G has been reported in the literature in individuals affected with Hereditary Breast And Ovarian Cancer Syndrome (e.g. Wappenschmidt_2012, Montalban_2019). These reports do not provide unequivocal conclusions about association of the variant with Hereditary Breast And Ovarian Cancer Syndrome. A co-occurrence with a pathogenic variant has been reported (BRCA2 c.7235insG, p.Thr2412SerfsX2; UMD), providing supporting evidence for a benign role. The following publications have been ascertained in the context of this evaluation (PMID: 31343793, 23239986). Six ClinVar submitters have assessed the variant since 2014: all six classified the variant as uncertain significance. Based on the evidence outlined above, the variant was classified as uncertain significance.

Institute for Clinical Genetics, University Hospital TU Dresden, University Hospital TU Dresden
Classification: Uncertain significance. Last evaluated: 2021-11-03. Review status: criteria provided, single submitter. Criteria: ACMG Guidelines, 2015. Collection method: clinical testing. Allele origin: germline.

Color Diagnostics, LLC DBA Color Health
Classification: Uncertain significance for Hereditary cancer-predisposing syndrome. Last evaluated: 2019-04-23. Review status: criteria provided, single submitter. Criteria: ACMG Guidelines, 2015. Collection method: clinical testing. Allele origin: germline.

Hereditary Cancer Genetics group, Vall d'Hebron Institute of Oncology
Classification: Uncertain significance for Hereditary breast and ovarian cancer syndrome. Last evaluated: 2019-03-01. Review status: no assertion criteria provided. Collection method: research. Allele origin: germline. Affected: yes. Not counted in ClinVar's aggregate classification.

Counsyl
Classification: Uncertain significance for Breast-ovarian cancer, familial, susceptibility to, 1. Last evaluated: 2015-12-16. Review status: no assertion criteria provided. Collection method: clinical testing. Allele origin: unknown. Not counted in ClinVar's aggregate classification.

Breast Cancer Information Core (BIC) (BRCA1)
Classification: Uncertain significance for Breast-ovarian cancer, familial 1. Last evaluated: 2002-05-29. Review status: no assertion criteria provided. Collection method: clinical testing. Allele origin: germline. Affected: yes. Observed: 2 variant alleles. Not counted in ClinVar's aggregate classification.

Literature cited by the submitters: PubMed 23239986 (cited by 3 submitters); PubMed 31343793 (cited by Labcorp Genetics (formerly Invitae), Labcorp and Women's Health and Genetics/Laboratory Corporation of America, LabCorp); PubMed 30472649 (cited by Hereditary Cancer Genetics group, Vall d'Hebron Institute of Oncology); PubMed 21523855 (cited by Counsyl).

NM_007294.4(BRCA1):c.135-18T>G

Gene: BRCA1 (BRCA1 DNA repair associated; minus strand). Cytogenetic location: 17q21.31.
Variant type: single nucleotide variant.
Coding change: c.135-18T>G on transcript NM_007294.4 (MANE Select); 18 bases into the intron before coding-DNA position 135, T replaced by G.
Molecular consequence: intron variant.
Genome position (GRCh38, 1-based): chr17:43,106,551, A>C on the plus strand (T>G on the coding strand, the complement: BRCA1 is on the minus strand). VCF-style: chr17-43106551-A-C. GRCh37 (hg19) VCF-style: chr17-41258568-A-C.
Other names: IVS4-18T>G; c.135-18T>G (NM_007300.3, NM_001407686.1, NM_001408397.1 and 168 more transcripts); c.-7-18T>G (NM_001408458.1, NM_001407931.1, NM_001407747.1 and 99 more transcripts); c.-218-11691T>G (NM_001407967.1, NM_001407966.1); c.-169-1595T>G (NM_001407959.1, NM_001407962.1, NM_001408512.1 and 4 more transcripts); c.-54-18T>G (NM_001407885.1, NM_001407886.1, NM_001407898.1 and 58 more transcripts); c.81-1595T>G (NM_001408451.1); c.135-1595T>G (NM_001408475.1, NM_001407875.1, NM_001407659.1 and 21 more transcripts).
Identifiers: ClinVar variation 54214 (VCV000054214.31), dbSNP rs80358085, ClinGen allele CA000892.